The following is an entry in ClinVar:

NM_001625.4(AK2):c.505G>A (p.Gly169Arg)

Gene: AK2 (adenylate kinase 2; minus strand). Cytogenetic location: 1p35.1.
Variant type: single nucleotide variant.
Coding change: c.505G>A on transcript NM_001625.4 (MANE Select); coding-DNA position 505, G replaced by A.
Protein change: p.Gly169Arg; replaces glycine 169 with arginine.
Molecular consequence: missense variant. On other transcripts: 3 prime UTR variant (1), non-coding transcript variant (1).
Genome position (GRCh38, 1-based): chr1:33,013,396, C>T on the plus strand (G>A on the coding strand, the complement: AK2 is on the minus strand). VCF-style: chr1-33013396-C-T. GRCh37 (hg19) VCF-style: chr1-33478997-C-T.
Other names: c.481G>A, p.Gly161Arg (NM_001199199.3); c.361G>A, p.Gly121Arg (NM_001319139.3, NM_001319140.2); c.505G>A, p.Gly169Arg (NM_001319141.3, NM_013411.5); c.379G>A, p.Gly127Arg (NM_001319142.3); c.*8G>A (NM_001319143.2); c.505G>A (NM_001625.3); short protein forms G121R, G169R, G127R, G161R.
Identifiers: ClinVar variation 1449705 (VCV001449705.9), dbSNP rs1452627532, ClinGen allele CA339699613.

ClinVar aggregate classification (germline): Uncertain significance. Review status: criteria provided, multiple submitters, no conflicts (2 of 4 stars). 2 submissions from 2 submitters: Uncertain significance (2). Last evaluated 2025-10-18.

Conditions:
Inborn genetic diseases. Identifiers: MedGen C0950123, MeSH D030342.
Reticular dysgenesis. Also called: ALEUKOCYTOSIS; CONGENITAL ALEUKIA; HEMATOPOIETIC HYPOPLASIA, GENERALIZED; RETICULAR DYSGENESIA; SEVERE COMBINED IMMUNODEFICIENCY WITH LEUKOPENIA; DeVaal disease. Identifiers: Orphanet 33355, MedGen C0272167, MONDO:0009973, OMIM 267500.

Allele frequency attached by ClinVar (database versions not stated): gnomAD 0.00001 and 0.00004; gnomAD exomes 0.00001; TOPMed 0.00001.
gnomAD v4.1: 23 of 1,613,622 alleles (0.0014%); highest among the groups gnomAD compares: South Asian, 0.0055%; no homozygotes.

Submissions (2):

Ambry Genetics
Classification: Uncertain significance for Inborn genetic diseases. Last evaluated: 2025-10-18. Review status: criteria provided, single submitter. Criteria: Ambry Variant Classification Scheme 2023. Collection method: clinical testing. Allele origin: germline.

Labcorp Genetics (formerly Invitae), Labcorp
Classification: Uncertain significance for Reticular dysgenesis. Last evaluated: 2021-04-24. Review status: criteria provided, single submitter. Criteria: Invitae Variant Classification Sherloc (09022015). Collection method: clinical testing. Allele origin: germline.
Comment: Algorithms developed to predict the effect of sequence changes on RNA splicing suggest that this variant may create or strengthen a splice site, but this prediction has not been confirmed by published transcriptional studies. In summary, the available evidence is currently insufficient to determine the role of this variant in disease. Therefore, it has been classified as a Variant of Uncertain Significance. Algorithms developed to predict the effect of missense changes on protein structure and function are either unavailable or do not agree on the potential impact of this missense change (SIFT: "Deleterious"; PolyPhen-2: "Benign"; Align-GVGD: "Class C65"). This variant has not been reported in the literature in individuals with AK2-related conditions. This variant is not present in population databases (ExAC no frequency). This sequence change replaces glycine with arginine at codon 169 of the AK2 protein (p.Gly169Arg). The glycine residue is highly conserved and there is a moderate physicochemical difference between glycine and arginine.